The following is an entry in ClinVar:

NM_201384.3(PLEC):c.7613A>G (p.Gln2538Arg)

Gene: PLEC (plectin; minus strand). Cytogenetic location: 8q24.3.
Variant type: single nucleotide variant.
Coding change: c.7613A>G on transcript NM_201384.3 (MANE Select); coding-DNA position 7613, A replaced by G.
Protein change: p.Gln2538Arg; replaces glutamine 2538 with arginine.
Molecular consequence: missense variant.
Genome position (GRCh38, 1-based): chr8:143,922,208, T>C on the plus strand (A>G on the coding strand, the complement: PLEC is on the minus strand). VCF-style: chr8-143922208-T-C. GRCh37 (hg19) VCF-style: chr8-144996376-T-C.
Other names: c.7694A>G, p.Gln2565Arg (NM_000445.5); c.7571A>G, p.Gln2524Arg (NM_201378.4); c.7547A>G, p.Gln2516Arg (NM_201379.3); c.8024A>G, p.Gln2675Arg (NM_201380.4); c.7517A>G, p.Gln2506Arg (NM_201381.3); c.7613A>G, p.Gln2538Arg (NM_201382.4); c.7625A>G, p.Gln2542Arg (NM_201383.3); short protein forms Q2506R, Q2542R, Q2675R, Q2524R, Q2538R, Q2516R, Q2565R.
Identifiers: ClinVar variation 704255 (VCV000704255.16), dbSNP rs372005251, ClinGen allele CA4925566.

ClinVar aggregate classification (germline): Conflicting classifications of pathogenicity. Review status: criteria provided, conflicting classifications (1 of 4 stars). 5 submissions from 5 submitters: Uncertain significance (1); Likely benign (4). Last evaluated 2026-01-26.

Conditions:
PLEC-related disorder. Also called: PLEC-related disorders; PLEC-related condition.
Epidermolysis bullosa simplex with nail dystrophy (EBS5D). Identifiers: MedGen C4225309, MONDO:0014661, OMIM 616487.
Epidermolysis bullosa simplex 5B, with muscular dystrophy (EBS5B). Also called: Epidermolysis bullosa simplex with muscular dystrophy; EPIDERMOLYSIS BULLOSA SIMPLEX AND LIMB-GIRDLE MUSCULAR DYSTROPHY. Identifiers: Orphanet 257, MedGen C2931072, MONDO:0009181, OMIM 226670.
Autosomal recessive limb-girdle muscular dystrophy type 2Q (LGMDR17). Also called: MUSCULAR DYSTROPHY, LIMB-GIRDLE, AUTOSOMAL RECESSIVE 17. Identifiers: Orphanet 254361, MedGen C3150989, MONDO:0013390, OMIM 613723.
Epidermolysis bullosa simplex 5C, with pyloric atresia (EBS5C). Also called: PLEC-Related Epidermolysis Bullosa with Pyloric Atresia; Epidermolysis bullosa simplex with pyloric atresia; PLEC1-Related Epidermolysis Bullosa with Pyloric Atresia. Identifiers: Orphanet 158684, MedGen C2677349, MONDO:0012807, OMIM 612138.
Epidermolysis bullosa simplex, Ogna type (EBS5A). Also called: Pidermolysis bullosa simplex 5A, Ogna type; EPIDERMOLYSIS BULLOSA SIMPLEX 5A, OGNA TYPE. Identifiers: Orphanet 79401, MedGen C0432317, MONDO:0007555, OMIM 131950.
Inborn genetic diseases. Identifiers: MedGen C0950123, MeSH D030342.

Allele frequency attached by ClinVar (database versions not stated): gnomAD exomes 0.00005 and 0.00015; ESP Exome Variant Server 0.00023; ExAC 0.00036; gnomAD 0.00051 and 0.00053; TOPMed 0.00053; 1000 Genomes Project 30x 0.00078; 1000 Genomes Project 0.00080.
gnomAD v4.1: 149 of 1,556,614 alleles (0.0096%); highest among the groups gnomAD compares: African/African-American, 0.17%; no homozygotes.

Submissions (5):

Labcorp Genetics (formerly Invitae), Labcorp
Classification: Likely benign for Autosomal recessive limb-girdle muscular dystrophy type 2Q; Epidermolysis bullosa simplex, Ogna type; Epidermolysis bullosa simplex with nail dystrophy; Epidermolysis bullosa simplex 5C, with pyloric atresia; Epidermolysis bullosa simplex 5B, with muscular dystrophy. Last evaluated: 2026-01-26. Review status: criteria provided, single submitter. Criteria: Invitae Variant Classification Sherloc (09022015). Collection method: clinical testing. Allele origin: germline.

PreventionGenetics, part of Exact Sciences
Classification: Likely benign for PLEC-related condition. Last evaluated: 2024-12-23. Review status: criteria provided, single submitter. Criteria: ACMG Guidelines, 2015. Collection method: clinical testing. Allele origin: germline.
Comment: This variant is classified as likely benign based on ACMG/AMP sequence variant interpretation guidelines (Richards et al. 2015 PMID: 25741868, with internal and published modifications).

Ambry Genetics
Classification: Uncertain significance for Inborn genetic diseases. Last evaluated: 2024-02-27. Review status: criteria provided, single submitter. Criteria: Ambry Variant Classification Scheme 2023. Collection method: clinical testing. Allele origin: germline.

Revvity Omics, Revvity
Classification: Likely benign. Last evaluated: 2023-05-15. Review status: criteria provided, single submitter. Criteria: ACMG Guidelines, 2015. Collection method: clinical testing. Allele origin: germline.

GeneDx
Classification: Likely benign. Last evaluated: 2021-03-17. Review status: criteria provided, single submitter. Criteria: GeneDx Variant Classification Process June 2021. Collection method: clinical testing. Allele origin: germline. Affected: yes.